The following is an entry in ClinVar:

ClinVar aggregate classification (germline): Uncertain significance (1 of 4 stars; one submission).

Conditions:
GNAS-related disorder. Identifiers: MedGen CN380105.

gnomAD v4.1: 8 of 1,611,020 alleles (0.0005%); highest among the groups gnomAD compares: South Asian, 0.0077%; no homozygotes.

Submission:

PreventionGenetics, part of Exact Sciences
Classification: Uncertain significance for GNAS-related condition. Last evaluated: 2026-05-26. Review status: criteria provided, single submitter. Criteria: ACMG Guidelines, 2015. Collection method: clinical testing. Allele origin: germline.
Comment: The GNAS c.484C>A variant is predicted to result in the amino acid substitution p.Arg162Ser. This alteration creates a missense change in an alternate transcript, but is located upstream of the first exon in the primary transcript (NM_000516.5:c.-51137C>A (Pre-Coding)). To our knowledge, this variant has not been reported in the literature. This variant is reported in 0.0065% of alleles in individuals of South Asian descent in gnomAD. At this time, the clinical significance of this variant is uncertain due to the absence of conclusive functional and genetic evidence.

NM_016592.5(GNAS):c.484C>A (p.Arg162Ser)

Genes: GNAS (GNAS complex locus; plus strand), GNAS-AS1 (GNAS antisense RNA 1; minus strand). Cytogenetic location: 20q13.32.
Variant type: single nucleotide variant.
Coding change: c.484C>A on transcript NM_016592.5 (MANE Plus Clinical); coding-DNA position 484, C replaced by A.
Protein change: p.Arg162Ser; replaces arginine 162 with serine.
Molecular consequence: missense variant. On other transcripts: 5 prime UTR variant (1).
Genome position (GRCh38, 1-based): chr20:58,840,590, C>A. VCF-style: chr20-58840590-C-A. GRCh37 (hg19) VCF-style: chr20-57415645-C-A.
Other names: c.-254C>A (NM_001410912.1); short protein forms R162S.
Identifiers: ClinVar variation 4987317 (VCV004987317.1).